The following is an entry in ClinVar:

ClinVar aggregate classification (germline): Likely benign (1 of 4 stars; one submission).

Allele frequency attached by ClinVar (database versions not stated): 1000 Genomes Project 30x 0.00094; 1000 Genomes Project 0.00100; ESP Exome Variant Server 0.00261.
gnomAD v4.1: 5,170 of 1,613,832 alleles (0.32%); highest among the groups gnomAD compares: South Asian, 0.33%; 24 homozygotes.

Submission:

CeGaT Center for Human Genetics Tuebingen
Classification: Likely benign. Last evaluated: 2022-07-01. Review status: criteria provided, single submitter. Criteria: CeGaT Center For Human Genetics Tuebingen Variant Classification Criteria Version 2. Collection method: clinical testing. Allele origin: germline. Affected: yes. Observed: 1 variant allele.
Comment: DOP1B: BP4

NM_001320714.2(DOP1B):c.4228G>A (p.Gly1410Ser)

Gene: DOP1B (DOP1 leucine zipper like protein B; plus strand). Cytogenetic location: 21q22.12.
Variant type: single nucleotide variant.
Coding change: c.4228G>A on transcript NM_001320714.2 (MANE Select); coding-DNA position 4228, G replaced by A.
Protein change: p.Gly1410Ser; replaces glycine 1410 with serine.
Molecular consequence: missense variant.
Genome position (GRCh38, 1-based): chr21:36,246,208, G>A. VCF-style: chr21-36246208-G-A. GRCh37 (hg19) VCF-style: chr21-37618506-G-A.
Other names: c.4228G>A, p.Gly1410Ser (NM_005128.4); short protein forms G1410S.
Identifiers: ClinVar variation 2652643 (VCV002652643.24), dbSNP rs144016996, ClinGen allele CA10017092.